The following is an entry in ClinVar:

ClinVar aggregate classification (germline): Uncertain significance. Review status: criteria provided, single submitter (1 of 4 stars). 2 submissions from 2 submitters: Uncertain significance (1). 1 of the submissions does not count toward it. Last evaluated 2024-12-28.

Conditions:
Cardiovascular phenotype. Identifiers: MedGen CN230736.
PTPN11-related disorder. Also called: PTPN11-Related Disorders.

Submissions (2):

Ambry Genetics
Classification: Uncertain significance for Cardiovascular phenotype. Last evaluated: 2024-12-28. Review status: criteria provided, single submitter. Criteria: Ambry Variant Classification Scheme 2023. Collection method: clinical testing. Allele origin: germline.
Comment: The p.L216F variant (also known as c.646C>T), located in coding exon 6 of the PTPN11 gene, results from a C to T substitution at nucleotide position 646. The leucine at codon 216 is replaced by phenylalanine, an amino acid with highly similar properties. This amino acid position is conserved. In addition, this alteration is predicted to be tolerated by in silico analysis. Based on the available evidence, the clinical significance of this variant remains unclear.

PreventionGenetics, part of Exact Sciences
Classification: Uncertain significance for PTPN11-related condition. Last evaluated: 2024-09-18. Review status: no assertion criteria provided. Collection method: clinical testing. Allele origin: germline. Not counted in ClinVar's aggregate classification.
Comment: The PTPN11 c.646C>T variant is predicted to result in the amino acid substitution p.Leu216Phe. To our knowledge, this variant has not been reported in the literature or in a large population database, indicating this variant is rare. At this time, the clinical significance of this variant is uncertain due to the absence of conclusive functional and genetic evidence.

NM_002834.5(PTPN11):c.646C>T (p.Leu216Phe)

Gene: PTPN11 (protein tyrosine phosphatase non-receptor type 11; plus strand). Cytogenetic location: 12q24.13.
Variant type: single nucleotide variant.
Coding change: c.646C>T on transcript NM_002834.5 (MANE Select); coding-DNA position 646, C replaced by T.
Protein change: p.Leu216Phe; replaces leucine 216 with phenylalanine.
Molecular consequence: missense variant.
Genome position (GRCh38, 1-based): chr12:112,455,953, C>T. VCF-style: chr12-112455953-C-T. GRCh37 (hg19) VCF-style: chr12-112893757-C-T.
Other names: c.646C>T, p.Leu216Phe (NM_001330437.2, NM_080601.3); c.643C>T, p.Leu215Phe (NM_001374625.1); short protein forms L215F, L216F.
Identifiers: ClinVar variation 3344340 (VCV003344340.2).